The following is an entry in ClinVar:

ClinVar aggregate classification (germline): Conflicting classifications of pathogenicity. Review status: criteria provided, conflicting classifications (1 of 4 stars). 4 submissions from 3 submitters: Uncertain significance (3); Likely benign (1). Last evaluated 2025-10-01.

Conditions:
Vitreoretinopathy. Also called: Vitreoretinal degeneration. Identifiers: MedGen C0344290, MONDO:0020248, HP:0007773.
Wagner disease. Also called: HYALOIDEORETINAL DEGENERATION OF WAGNER; WAGNER VITREORETINOPATHY; WAGNER VITREORETINAL DEGENERATION; WAGNER SYNDROME 1; Wagner syndrome; Wagner Vitreoretinal Degeneration (Wagner Synrdome). Identifiers: Orphanet 898, MedGen C1840452, MONDO:0007740, OMIM 143200.

Allele frequency attached by ClinVar (database versions not stated): ExAC 0.00001; gnomAD exomes 0.00002 and 0.00014; ESP Exome Variant Server 0.00008; gnomAD 0.00008 and 0.00009; TOPMed 0.00008.
gnomAD v4.1: 208 of 1,613,330 alleles (0.013%); highest among the groups gnomAD compares: Non-Finnish European, 0.017%; no homozygotes.

Submissions (4):

Labcorp Genetics (formerly Invitae), Labcorp
Classification: Uncertain significance. Last evaluated: 2025-10-01. Review status: criteria provided, single submitter. Criteria: Invitae Variant Classification Sherloc (09022015). Collection method: clinical testing. Allele origin: germline.
Comment: This sequence change replaces threonine, which is neutral and polar, with methionine, which is neutral and non-polar, at codon 1734 of the VCAN protein (p.Thr1734Met). This variant is present in population databases (rs200941140, gnomAD 0.005%). This missense change has been observed in individual(s) with clinical features of inherited retinal disease (internal data). ClinVar contains an entry for this variant (Variation ID: 850338). An algorithm developed to predict the effect of missense changes on protein structure and function outputs the following: PolyPhen-2: "Benign". The methionine amino acid residue is found in multiple mammalian species, which suggests that this missense change does not adversely affect protein function. In summary, the available evidence is currently insufficient to determine the role of this variant in disease. Therefore, it has been classified as a Variant of Uncertain Significance.

Blueprint Genetics
Classification: Likely benign. Last evaluated: 2024-02-02. Review status: criteria provided, single submitter. Criteria: ACMG Guidelines, 2015. Collection method: clinical testing. Allele origin: germline.

Illumina Laboratory Services, Illumina
Classification: Uncertain significance for Wagner disease. Last evaluated: 2018-01-13. Review status: criteria provided, single submitter. Criteria: ICSL Variant Classification Criteria 13 December 2019. Collection method: clinical testing. Allele origin: germline.

Illumina Laboratory Services, Illumina
Classification: Uncertain significance for Vitreoretinopathy. Last evaluated: 2018-01-13. Review status: criteria provided, single submitter. Criteria: ICSL Variant Classification Criteria 13 December 2019. Collection method: clinical testing. Allele origin: germline.

NM_004385.5(VCAN):c.5201C>T (p.Thr1734Met)

Genes: VCAN (versican; plus strand), VCAN-AS1 (VCAN antisense RNA 1; minus strand). Cytogenetic location: 5q14.3.
Variant type: single nucleotide variant.
Coding change: c.5201C>T on transcript NM_004385.5 (MANE Select); coding-DNA position 5201, C replaced by T.
Protein change: p.Thr1734Met; replaces threonine 1734 with methionine.
Molecular consequence: missense variant. On other transcripts: intron variant (2).
Genome position (GRCh38, 1-based): chr5:83,538,204, C>T. VCF-style: chr5-83538204-C-T. GRCh37 (hg19) VCF-style: chr5-82834023-C-T.
Other names: c.2240C>T, p.Thr747Met (NM_001164097.2); c.4004-7333C>T (NM_001164098.2); c.1043-7333C>T (NM_001126336.3); short protein forms T1734M, T747M.
Identifiers: ClinVar variation 850338 (VCV000850338.12), dbSNP rs200941140, ClinGen allele CA3333294.